The following is an entry in ClinVar:

NM_001148.6(ANK2):c.3201dup (p.Pro1068fs)

Gene: ANK2 (ankyrin 2; plus strand). Cytogenetic location: 4q26.
Variant type: Duplication.
Coding change: c.3201dup on transcript NM_001148.6 (MANE Select); coding-DNA position 3201, one base duplicated (G; older notation c.3201dupG).
Protein change: p.Pro1068fs; shifts the reading frame from proline 1068.
Molecular consequence: frameshift variant. On other transcripts: intron variant (42).
Genome position (GRCh38, 1-based): chr4:113,332,047, G duplicated; the last of 4 consecutive G bases (chr4:113,332,044-113,332,047); duplicating any one gives the same sequence. VCF-style (leftmost placement, unchanged base first): chr4-113332043-T-TG. GRCh37 (hg19) VCF-style: chr4-114253199-T-TG.
Other names: c.3198dup, p.Pro1067fs (NM_001354235.2, NM_001354246.2, NM_001354265.2); c.3279dup, p.Pro1094fs (NM_001354237.2); c.3171dup, p.Pro1058fs (NM_001354239.2, NM_001354252.2); c.3246dup, p.Pro1083fs (NM_001354240.2, NM_001354241.2, NM_001386144.1); c.3243dup, p.Pro1082fs (NM_001354242.2, NM_001354231.2); c.3138dup, p.Pro1047fs (NM_001354243.2, NM_001354255.2, NM_001386143.1); c.3135dup, p.Pro1046fs (NM_001354244.2, NM_001354256.2, NM_001386161.1); c.3150dup, p.Pro1051fs (NM_001354254.2); and 28 more; short protein forms P1046fs, P1047fs, P1051fs, P1058fs, P1059fs, P1063fs, P1067fs, P1068fs.
Identifiers: ClinVar variation 2576797 (VCV002576797.1), dbSNP rs2502464213, ClinGen allele CA2580616757.
Genomic context (GRCh38, chr4:113,332,043, plus strand): 5'-TGCCAACGGCTCCTCCCCCACTTAATGAGGGAGAAAGTTTGGTCAGCCGCATTCTTCAGC[T>TG]GGGGCCTCCTGGAACCAAATTCCTTGGGTAGGAGTGACTTAAAACAAATTGATGGCTGCT-3'

ClinVar aggregate classification (germline): Likely pathogenic (1 of 4 stars; one submission).

Submission:

GeneDx
Classification: Likely pathogenic. Last evaluated: 2023-08-16. Review status: criteria provided, single submitter. Criteria: GeneDx Variant Classification Process June 2021. Collection method: clinical testing. Allele origin: germline. Affected: yes.
Comment: Frameshift variant predicted to result in protein truncation or nonsense mediated decay in a gene for which loss of function is a known mechanism of disease; Not observed at significant frequency in large population cohorts (gnomAD); Has not been previously published as pathogenic or benign to our knowledge